The following is an entry in ClinVar:

NM_000238.4(KCNH2):c.1815C>G (p.Pro605=)

Gene: KCNH2 (potassium voltage-gated channel subfamily H member 2; minus strand). Cytogenetic location: 7q36.1.
Variant type: single nucleotide variant.
Coding change: c.1815C>G on transcript NM_000238.4 (MANE Select); coding-DNA position 1815, C replaced by G.
Protein change: p.Pro605=; no amino-acid change (proline 605 retained).
Molecular consequence: synonymous variant. On other transcripts: non-coding transcript variant (2).
Genome position (GRCh38, 1-based): chr7:150,951,578, G>C on the plus strand (C>G on the coding strand, the complement: KCNH2 is on the minus strand). VCF-style: chr7-150951578-G-C. GRCh37 (hg19) VCF-style: chr7-150648666-G-C.
Other names: c.795C>G, p.Pro265= (NM_001204798.2, NM_172057.3); c.1527C>G, p.Pro509= (NM_001406753.1, NM_001406756.1); c.1638C>G, p.Pro546= (NM_001406755.1); c.1515C>G, p.Pro505= (NM_001406757.1); c.1815C>G, p.Pro605= (NM_172056.3).
Identifiers: ClinVar variation 920640 (VCV000920640.53), dbSNP rs1184158072, ClinGen allele CA458871514.

ClinVar aggregate classification (germline): Likely benign. Review status: criteria provided, multiple submitters, no conflicts (2 of 4 stars). 4 submissions from 4 submitters: Likely benign (4). Last evaluated 2025-09-04.

Conditions:
Cardiac arrhythmia. Also called: Cardiac rhythm disease; Arrhythmia. Identifiers: MedGen C0003811, MONDO:0007263, HP:0011675.
Long QT syndrome (LQTS). Identifiers: MedGen C0023976, MeSH D008133, MONDO:0002442. Disease mechanism: loss of function. Inheritance: Various modes of inheritance.
Cardiovascular phenotype. Identifiers: MedGen CN230736.

Allele frequency attached by ClinVar (database versions not stated): gnomAD exomes below 0.00001; TOPMed below 0.00001; gnomAD 0.00001.
gnomAD v4.1: 3 of 1,614,078 alleles (0.00019%); highest among the groups gnomAD compares: African/African-American, 0.0013%; no homozygotes.

Submissions (4):

Ambry Genetics
Classification: Likely benign for Cardiovascular phenotype. Last evaluated: 2025-09-04. Review status: criteria provided, single submitter. Criteria: Ambry Variant Classification Scheme 2023. Collection method: clinical testing. Allele origin: germline.

Labcorp Genetics (formerly Invitae), Labcorp
Classification: Likely benign for Long QT syndrome. Last evaluated: 2025-08-18. Review status: criteria provided, single submitter. Criteria: Invitae Variant Classification Sherloc (09022015). Collection method: clinical testing. Allele origin: germline.

All of Us Research Program, National Institutes of Health
Classification: Likely benign for Long QT syndrome. Last evaluated: 2024-09-23. Review status: criteria provided, single submitter. Criteria: ACMG Guidelines, 2015. Collection method: clinical testing. Allele origin: germline. Inheritance: Autosomal dominant inheritance. Observed: 4 variant alleles, 4 heterozygotes.
Comment: This study involves interpretation of variants in research participants for the purpose of population health screening. Participant phenotype was not available at the time of variant classification. Additional details can be found in publication PMID: 35346344, PMCID: PMC8962531

Color Diagnostics, LLC DBA Color Health
Classification: Likely benign for Arrhythmia. Last evaluated: 2019-11-20. Review status: criteria provided, single submitter. Criteria: ACMG Guidelines, 2015. Collection method: clinical testing. Allele origin: germline.